The following is an entry in ClinVar:

NM_000747.3(CHRNB1):c.1172T>G (p.Phe391Cys)

Gene: CHRNB1 (cholinergic receptor nicotinic beta 1 subunit; plus strand). Cytogenetic location: 17p13.1.
Variant type: single nucleotide variant.
Coding change: c.1172T>G on transcript NM_000747.3 (MANE Select); coding-DNA position 1172, T replaced by G.
Protein change: p.Phe391Cys; replaces phenylalanine 391 with cysteine.
Molecular consequence: missense variant.
Genome position (GRCh38, 1-based): chr17:7,455,411, T>G. VCF-style: chr17-7455411-T-G. GRCh37 (hg19) VCF-style: chr17-7358730-T-G.
Other names: short protein forms F391C.
Identifiers: ClinVar variation 1995056 (VCV001995056.4), dbSNP rs2507872550, ClinGen allele CA397801377.
Genomic context (GRCh38, chr17:7,455,411, plus strand): 5'-CGGAGCCCCCTCACTGTTCTTCTCCAGGAAGTGGCTGGGGTCGGGGAACAGATGAATATT[T>G]CATCCGGAAGCCGCCAAGTGATTTTCTCTTCCCCAAACCCAATAGGTAGGACTACGCCCG-3'
Protein context (NP_000738.2, residues 381-401): SGWGRGTDEY[Phe391Cys]IRKPPSDFLF

ClinVar aggregate classification (germline): Uncertain significance (1 of 4 stars; one submission).

Conditions:
Congenital myasthenic syndrome 2A. Also called: Myasthenic syndrome, congenital, 2a, slow-channel. Identifiers: Orphanet 590, MedGen C4225374, MONDO:0014581, OMIM 616313.

Submission:

Labcorp Genetics (formerly Invitae), Labcorp
Classification: Uncertain significance for Congenital myasthenic syndrome 2A. Last evaluated: 2025-07-14. Review status: criteria provided, single submitter. Criteria: Invitae Variant Classification Sherloc (09022015). Collection method: clinical testing. Allele origin: germline.
Comment: This sequence change replaces phenylalanine, which is neutral and non-polar, with cysteine, which is neutral and slightly polar, at codon 391 of the CHRNB1 protein (p.Phe391Cys). This variant is not present in population databases (gnomAD no frequency). This variant has not been reported in the literature in individuals affected with CHRNB1-related conditions. ClinVar contains an entry for this variant (Variation ID: 1995056). Invitae Evidence Modeling of protein sequence and biophysical properties (such as structural, functional, and spatial information, amino acid conservation, physicochemical variation, residue mobility, and thermodynamic stability) indicates that this missense variant is not expected to disrupt CHRNB1 protein function with a negative predictive value of 80%. In summary, the available evidence is currently insufficient to determine the role of this variant in disease. Therefore, it has been classified as a Variant of Uncertain Significance.